The following is an entry in ClinVar:

ClinVar aggregate classification (germline): Likely benign (1 of 4 stars; one submission).

Allele frequency attached by ClinVar (database versions not stated): gnomAD exomes below 0.00001.
gnomAD v4.1: 1 of 1,613,342 alleles (0.000062%); highest among the groups gnomAD compares: South Asian, 0.0011%; no homozygotes.

Submission:

GeneDx
Classification: Likely benign. Last evaluated: 2017-09-25. Review status: criteria provided, single submitter. Criteria: GeneDx Variant Classification (06012015). Collection method: clinical testing. Allele origin: germline. Affected: yes.
Comment: This variant is considered likely benign or benign based on one or more of the following criteria: it is a conservative change, it occurs at a poorly conserved position in the protein, it is predicted to be benign by multiple in silico algorithms, and/or has population frequency not consistent with disease.

NM_170707.4(LMNA):c.1968+12C>G

Gene: LMNA (lamin A/C; plus strand). Cytogenetic location: 1q22.
Variant type: single nucleotide variant.
Coding change: c.1968+12C>G on transcript NM_170707.4 (MANE Select); 12 bases into the intron after coding-DNA position 1968, C replaced by G.
Molecular consequence: intron variant.
Genome position (GRCh38, 1-based): chr1:156,138,769, C>G. VCF-style: chr1-156138769-C-G. GRCh37 (hg19) VCF-style: chr1-156108560-C-G.
Other names: c.1818+162C>G (NM_001282626.2); c.1878+12C>G (NM_170708.4); c.1632+12C>G (NM_001257374.3).
Identifiers: ClinVar variation 512349 (VCV000512349.1), dbSNP rs1458573927, ClinGen allele CA526670823.